The following is an entry in ClinVar:

NM_003919.3(SGCE):c.896dup (p.Glu300fs)

Genes: CASD1 (CAS1 domain sialic acid O acetyltransferase 1; plus strand), SGCE (sarcoglycan epsilon; minus strand). Cytogenetic location: 7q21.3.
Variant type: Duplication.
Coding change: c.896dup on transcript NM_003919.3 (MANE Select); coding-DNA position 896, one base duplicated (G; older notation c.896dupG).
Protein change: p.Glu300fs; shifts the reading frame from glutamic acid 300.
Molecular consequence: frameshift variant.
Genome position (GRCh38, 1-based): chr7:94,600,787, C duplicated on the plus strand (G on the coding strand, the reverse complement: SGCE is on the minus strand); the first of 2 consecutive C bases (chr7:94,600,787-94,600,788); duplicating either gives the same sequence. VCF-style (leftmost placement, unchanged base first): chr7-94600786-T-TC. GRCh37 (hg19) VCF-style: chr7-94230098-T-TC.
Other names: c.896dup, p.Glu300fs (NM_001099400.2, NM_001099401.2, NM_001346717.2); c.773dup, p.Glu259fs (NM_001301139.2, NM_001362809.2); c.1004dup, p.Glu336fs (NM_001346713.2, NM_001346715.2); c.809dup, p.Glu271fs (NM_001346719.2, NM_001362807.2); c.623dup, p.Glu209fs (NM_001346720.2, NM_001362808.2); short protein forms E259fs, E271fs, E209fs, E300fs, E336fs.
Identifiers: ClinVar variation 2852124 (VCV002852124.3), dbSNP rs2484944771, ClinGen allele CA2739278359.

ClinVar aggregate classification (germline): Pathogenic (1 of 4 stars; one submission).

Conditions:
Myoclonic dystonia 11 (DYT11). Also called: Myoclonic dystonia; Dystonia 11; Dystonia, alcohol responsive; Hereditary essential myoclonus; SGCE Myoclonus-Dystonia; Myoclonus-Dystonia. Identifiers: Orphanet 36899, MedGen C1834570, MONDO:0008044, OMIM 159900.

Submission:

Labcorp Genetics (formerly Invitae), Labcorp
Classification: Pathogenic for Myoclonic dystonia 11. Last evaluated: 2023-04-05. Review status: criteria provided, single submitter. Criteria: Invitae Variant Classification Sherloc (09022015). Collection method: clinical testing. Allele origin: germline.
Comment: For these reasons, this variant has been classified as Pathogenic. This variant has not been reported in the literature in individuals affected with SGCE-related conditions. This variant is not present in population databases (gnomAD no frequency). This sequence change creates a premature translational stop signal (p.Glu300Argfs*7) in the SGCE gene. It is expected to result in an absent or disrupted protein product. Loss-of-function variants in SGCE are known to be pathogenic (PMID: 12821748, 15389977, 17853490, 24297365).

Literature cited by the submitters: PubMed 12821748; PubMed 15389977; PubMed 17853490; PubMed 24297365.